The following is an entry in ClinVar:

ClinVar aggregate classification (germline): Uncertain significance (1 of 4 stars; one submission).

Submission:

Women's Health and Genetics/Laboratory Corporation of America, LabCorp
Classification: Uncertain significance. Last evaluated: 2024-04-30. Review status: criteria provided, single submitter. Criteria: LabCorp Variant Classification Summary - May 2015. Collection method: clinical testing. Allele origin: germline.
Comment: Variant summary: CRB1 c.3542G>A (p.Cys1181Tyr) results in a non-conservative amino acid change located in the EGF-like domain (IPR000742) of the encoded protein sequence. Five of five in-silico tools predict a damaging effect of the variant on protein function. The variant was absent in 245168 control chromosomes. The available data on variant occurrences in the general population are insufficient to allow any conclusion about variant significance. To our knowledge, no occurrence of c.3542G>A in individuals affected with Retinal Dystrophy and no experimental evidence demonstrating its impact on protein function have been reported. No submitters have cited clinical-significance assessments for this variant to ClinVar. Based on the evidence outlined above, the variant was classified as uncertain significance.

NM_201253.3(CRB1):c.3542G>A (p.Cys1181Tyr)

Gene: CRB1 (crumbs cell polarity complex component 1; plus strand). Cytogenetic location: 1q31.3.
Variant type: single nucleotide variant.
Coding change: c.3542G>A on transcript NM_201253.3 (MANE Select); coding-DNA position 3542, G replaced by A.
Protein change: p.Cys1181Tyr; replaces cysteine 1181 with tyrosine.
Molecular consequence: missense variant. On other transcripts: non-coding transcript variant (2), intron variant (1).
Genome position (GRCh38, 1-based): chr1:197,435,405, G>A. VCF-style: chr1-197435405-G-A. GRCh37 (hg19) VCF-style: chr1-197404535-G-A.
Other names: c.3206G>A, p.Cys1069Tyr (NM_001193640.2); c.3470G>A, p.Cys1157Tyr (NM_001257965.2); c.2129-195G>A (NM_001257966.2); short protein forms C1069Y, C1157Y, C1181Y.
Identifiers: ClinVar variation 3251473 (VCV003251473.1), dbSNP rs2528203515.